The following is an entry in ClinVar:

ClinVar aggregate classification (germline): Uncertain significance (1 of 4 stars; one submission).

Conditions:
X-linked ichthyosis with steryl-sulfatase deficiency (XLI). Also called: Ichthyosis, X-Linked; PLACENTAL STEROID SULFATASE DEFICIENCY; STEROID SULFATASE DEFICIENCY; STEROID SULFATASE DEFICIENCY DISEASE; STS DEFICIENCY; Recessive X-linked ichthyosis. Identifiers: Orphanet 461, MedGen C0079588, MONDO:0010622, OMIM 308100.

Allele frequency attached by ClinVar (database versions not stated): gnomAD exomes below 0.00001.
gnomAD v4.1: 4 of 1,209,985 alleles (0.00033%); highest among the groups gnomAD compares: Non-Finnish European, 0.00045%; no homozygotes.

Submission:

Centre for Mendelian Genomics, University Medical Centre Ljubljana
Classification: Uncertain significance for X-linked ichthyosis with steryl-sulfatase deficiency. Last evaluated: 2018-12-13. Review status: criteria provided, single submitter. Criteria: ACMG Guidelines, 2015. Collection method: clinical testing. Allele origin: unknown. Affected: yes.
Comment: This variant was classified as: Uncertain significance. The available evidence on this variant's pathogenicity is insufficient or conflicting. The following ACMG criteria were applied in classifying this variant: PM2.

NM_001320752.2(STS):c.1082-18T>C

Gene: STS (steroid sulfatase; plus strand). Cytogenetic location: Xp22.31.
Variant type: single nucleotide variant.
Coding change: c.1082-18T>C on transcript NM_001320752.2 (MANE Select); 18 bases into the intron before coding-DNA position 1082, T replaced by C.
Molecular consequence: intron variant.
Genome position (GRCh38, 1-based): chrX:7,325,321, T>C. VCF-style: chrX-7325321-T-C. GRCh37 (hg19) VCF-style: chrX-7243362-T-C.
Other names: c.1118-18T>C (NM_001320750.3, NM_001320751.2); c.1082-18T>C (NM_000351.7, NM_001320753.2, NM_001320754.2).
Identifiers: ClinVar variation 931008 (VCV000931008.3), dbSNP rs1927373599, ClinGen allele CA1139667216.